The following is an entry in ClinVar:

NM_000188.3(HK1):c.820C>T (p.Arg274Trp)

Gene: HK1 (hexokinase 1; plus strand). Cytogenetic location: 10q22.1.
Variant type: single nucleotide variant.
Coding change: c.820C>T on transcript NM_000188.3 (MANE Select); coding-DNA position 820, C replaced by T.
Protein change: p.Arg274Trp; replaces arginine 274 with tryptophan.
Molecular consequence: missense variant.
Genome position (GRCh38, 1-based): chr10:69,369,569, C>T. VCF-style: chr10-69369569-C-T. GRCh37 (hg19) VCF-style: chr10-71129325-C-T.
Other names: p.Arg273Trp; c.832C>T, p.Arg278Trp (NM_001322364.2, NM_001358263.1, NM_033497.3 and 1 more transcripts); c.925C>T, p.Arg309Trp (NM_001322365.2); c.736C>T, p.Arg246Trp (NM_001322366.1); c.724C>T, p.Arg242Trp (NM_001322367.1); c.817C>T, p.Arg273Trp (NM_033496.3); c.784C>T, p.Arg262Trp (NM_033500.2); c.817C>T (NM_033496.2); short protein forms R242W, R246W, R262W, R273W, R274W, R278W, R309W.
Identifiers: ClinVar variation 1058867 (VCV001058867.10), dbSNP rs777468926, ClinGen allele CA5532431.

ClinVar aggregate classification (germline): Uncertain significance. Review status: criteria provided, multiple submitters, no conflicts (2 of 4 stars). 2 submissions from 2 submitters: Uncertain significance (2). Last evaluated 2026-01-01.

Allele frequency attached by ClinVar (database versions not stated): ExAC 0.00001; gnomAD exomes 0.00001 and 0.00002; gnomAD 0.00002; TOPMed 0.00005.
gnomAD v4.1: 14 of 1,614,032 alleles (0.00087%); highest among the groups gnomAD compares: Admixed American, 0.0083%; no homozygotes.

Submissions (2):

Labcorp Genetics (formerly Invitae), Labcorp
Classification: Uncertain significance. Last evaluated: 2026-01-01. Review status: criteria provided, single submitter. Criteria: Invitae Variant Classification Sherloc (09022015). Collection method: clinical testing. Allele origin: germline.
Comment: This sequence change replaces arginine, which is basic and polar, with tryptophan, which is neutral and slightly polar, at codon 274 of the HK1 protein (p.Arg274Trp). This variant is present in population databases (rs777468926, gnomAD 0.009%). This variant has not been reported in the literature in individuals affected with HK1-related conditions. ClinVar contains an entry for this variant (Variation ID: 1058867). Invitae Evidence Modeling of protein sequence and biophysical properties (such as structural, functional, and spatial information, amino acid conservation, physicochemical variation, residue mobility, and thermodynamic stability) indicates that this missense variant is not expected to disrupt HK1 protein function with a negative predictive value of 80%. In summary, the available evidence is currently insufficient to determine the role of this variant in disease. Therefore, it has been classified as a Variant of Uncertain Significance.

Mayo Clinic Laboratories, Mayo Clinic
Classification: Uncertain significance. Last evaluated: 2023-08-15. Review status: criteria provided, single submitter. Criteria: ACMG Guidelines, 2015. Collection method: clinical testing. Allele origin: germline. Observed: 1 variant allele.
Comment: PP3, PM2_moderate